The following is an entry in ClinVar:

ClinVar aggregate classification (germline): Uncertain significance. Review status: criteria provided, multiple submitters, no conflicts (2 of 4 stars). 3 submissions from 3 submitters: Uncertain significance (3). Last evaluated 2024-04-05.

Allele frequency attached by ClinVar (database versions not stated): gnomAD exomes 0.00001; ExAC 0.00004; gnomAD 0.00002; TOPMed 0.00002.
gnomAD v4.1: 21 of 1,557,962 alleles (0.0013%); highest among the groups gnomAD compares: Middle Eastern, 0.066%; no homozygotes.

Submissions (3):

Labcorp Genetics (formerly Invitae), Labcorp
Classification: Uncertain significance. Last evaluated: 2024-04-05. Review status: criteria provided, single submitter. Criteria: Invitae Variant Classification Sherloc (09022015). Collection method: clinical testing. Allele origin: germline.
Comment: This sequence change affects codon 1275 of the RIMS1 mRNA. It is a 'silent' change, meaning that it does not change the encoded amino acid sequence of the RIMS1 protein. The frequency data for this variant in the population databases is considered unreliable, as metrics indicate poor data quality at this position in the gnomAD database. This variant has not been reported in the literature in individuals affected with RIMS1-related conditions. ClinVar contains an entry for this variant (Variation ID: 1056367). Algorithms developed to predict the effect of sequence changes on RNA splicing suggest that this variant may create or strengthen a splice site. In summary, the available evidence is currently insufficient to determine the role of this variant in disease. Therefore, it has been classified as a Variant of Uncertain Significance.

Blueprint Genetics
Classification: Uncertain significance. Last evaluated: 2023-02-22. Review status: criteria provided, single submitter. Criteria: ACMG Guidelines, 2015. Collection method: clinical testing. Allele origin: germline.

Breakthrough Genomics
Classification: Uncertain significance. Review status: criteria provided, single submitter. Criteria: ACMG Guidelines, 2015. Collection method: not provided. Allele origin: germline. Inheritance: Autosomal dominant inheritance. Affected: yes.

NM_014989.7(RIMS1):c.3825A>G (p.Pro1275=)

Gene: RIMS1 (regulating synaptic membrane exocytosis 1; plus strand). Cytogenetic location: 6q13.
Variant type: single nucleotide variant.
Coding change: c.3825A>G on transcript NM_014989.7 (MANE Select); coding-DNA position 3825, A replaced by G.
Protein change: p.Pro1275=; no amino-acid change (proline 1275 retained).
Molecular consequence: synonymous variant.
Genome position (GRCh38, 1-based): chr6:72,292,021, A>G. VCF-style: chr6-72292021-A-G. GRCh37 (hg19) VCF-style: chr6-73001724-A-G.
Other names: c.1785A>G, p.Pro595= (NM_001168407.2, NM_001350422.2); c.1716A>G, p.Pro572= (NM_001168408.2, NM_001350414.2, NM_001350430.2 and 2 more transcripts); c.1545A>G, p.Pro515= (NM_001168409.2, NM_001350469.2); c.1743A>G, p.Pro581= (NM_001168410.2); c.1869A>G, p.Pro623= (NM_001350415.2, NM_001350445.2); c.1788A>G, p.Pro596= (NM_001350416.2, NM_001350417.2, NM_001350448.2); c.1791A>G, p.Pro597= (NM_001350418.2); c.1560A>G, p.Pro520= (NM_001350419.2, NM_001350423.2, NM_001350444.2); and 31 more.
Identifiers: ClinVar variation 1056367 (VCV001056367.11), dbSNP rs762649590, ClinGen allele CA3886363.